The following is an entry in ClinVar:

ClinVar aggregate classification (germline): Uncertain significance. Review status: criteria provided, multiple submitters, no conflicts (2 of 4 stars). 2 submissions from 2 submitters: Uncertain significance (2). Last evaluated 2025-03-18.

Allele frequency attached by ClinVar (database versions not stated): TOPMed below 0.00001; gnomAD 0.00001; gnomAD exomes 0.00002.
gnomAD v4.1: 31 of 1,613,846 alleles (0.0019%); highest among the groups gnomAD compares: South Asian, 0.0033%; no homozygotes.

Submissions (2):

Labcorp Genetics (formerly Invitae), Labcorp
Classification: Uncertain significance. Last evaluated: 2025-03-18. Review status: criteria provided, single submitter. Criteria: Invitae Variant Classification Sherloc (09022015). Collection method: clinical testing. Allele origin: germline.
Comment: This sequence change replaces arginine, which is basic and polar, with histidine, which is basic and polar, at codon 663 of the ADGRA3 protein (p.Arg663His). This variant is present in population databases (rs767574676, gnomAD 0.003%). This variant has not been reported in the literature in individuals affected with ADGRA3-related conditions. ClinVar contains an entry for this variant (Variation ID: 2749591). An algorithm developed to predict the effect of missense changes on protein structure and function (PolyPhen-2) suggests that this variant is likely to be disruptive. In summary, the available evidence is currently insufficient to determine the role of this variant in disease. Therefore, it has been classified as a Variant of Uncertain Significance.

Ambry Genetics
Classification: Uncertain significance. Last evaluated: 2024-09-30. Review status: criteria provided, single submitter. Criteria: Ambry Variant Classification Scheme 2023. Collection method: clinical testing. Allele origin: germline.

NM_145290.4(ADGRA3):c.1988G>A (p.Arg663His)

Gene: ADGRA3 (adhesion G protein-coupled receptor A3; minus strand). Cytogenetic location: 4p15.2.
Variant type: single nucleotide variant.
Coding change: c.1988G>A on transcript NM_145290.4 (MANE Select); coding-DNA position 1988, G replaced by A.
Protein change: p.Arg663His; replaces arginine 663 with histidine.
Molecular consequence: missense variant.
Genome position (GRCh38, 1-based): chr4:22,413,636, C>T on the plus strand (G>A on the coding strand, the complement: ADGRA3 is on the minus strand). VCF-style: chr4-22413636-C-T. GRCh37 (hg19) VCF-style: chr4-22415259-C-T.
Other names: c.1988G>A (NM_145290.2); short protein forms R663H.
Identifiers: ClinVar variation 2749591 (VCV002749591.4), dbSNP rs767574676, ClinGen allele CA93511200.
Genomic context (GRCh38, chr4:22,413,636, plus strand): 5'-AGGATAACATATGCCACATACAAACCTATTTTGGTGAGAATCACAGGGGTAACCACAGTA[C>T]GTCGTTTTCCATCATCAGCCAAATTTGTTGAATTTCCAGTGGCTGGAAAAAGCTTTCCAT-3'
Protein context (NP_660333.2, residues 653-673): STNLADDGKR[Arg663His]TVVTPVILTK